The following is an entry in ClinVar:

NM_033026.6(PCLO):c.13715A>G (p.Gln4572Arg)

Gene: PCLO (piccolo presynaptic cytomatrix protein; minus strand). Cytogenetic location: 7q21.11.
Variant type: single nucleotide variant.
Coding change: c.13715A>G on transcript NM_033026.6 (MANE Select); coding-DNA position 13715, A replaced by G.
Protein change: p.Gln4572Arg; replaces glutamine 4572 with arginine.
Molecular consequence: missense variant.
Genome position (GRCh38, 1-based): chr7:82,847,187, T>C on the plus strand (A>G on the coding strand, the complement: PCLO is on the minus strand). VCF-style: chr7-82847187-T-C. GRCh37 (hg19) VCF-style: chr7-82476503-T-C.
Other names: c.13715A>G, p.Gln4572Arg (NM_014510.3); short protein forms Q4572R.
Identifiers: ClinVar variation 1471114 (VCV001471114.7), dbSNP rs755767818, ClinGen allele CA4319053.

ClinVar aggregate classification (germline): Uncertain significance (1 of 4 stars; one submission).

Allele frequency attached by ClinVar (database versions not stated): gnomAD exomes below 0.00001; ExAC 0.00001.
gnomAD v4.1: 4 of 1,606,486 alleles (0.00025%); highest among the groups gnomAD compares: Non-Finnish European, 0.00034%; no homozygotes.

Submission:

Labcorp Genetics (formerly Invitae), Labcorp
Classification: Uncertain significance. Last evaluated: 2020-12-08. Review status: criteria provided, single submitter. Criteria: Invitae Variant Classification Sherloc (09022015). Collection method: clinical testing. Allele origin: germline.
Comment: In summary, the available evidence is currently insufficient to determine the role of this variant in disease. Therefore, it has been classified as a Variant of Uncertain Significance. Algorithms developed to predict the effect of missense changes on protein structure and function are either unavailable or do not agree on the potential impact of this missense change (SIFT: "Deleterious"; PolyPhen-2: "Not Available"; Align-GVGD: "Class C0"). This variant has not been reported in the literature in individuals with PCLO-related conditions. This variant is present in population databases (rs755767818, ExAC 0.002%). This sequence change replaces glutamine with arginine at codon 4572 of the PCLO protein (p.Gln4572Arg). The glutamine residue is moderately conserved and there is a small physicochemical difference between glutamine and arginine.